The following is an entry in ClinVar:

ClinVar aggregate classification (germline): Uncertain significance. Review status: criteria provided, multiple submitters, no conflicts (2 of 4 stars). 3 submissions from 3 submitters: Uncertain significance (3). Last evaluated 2025-08-05.

Conditions:
Renal tubular acidosis, distal, 3, with or without sensorineural hearing loss (DRTA3). Identifiers: MedGen C5399980, MONDO:0011268, OMIM 602722.

Allele frequency attached by ClinVar (database versions not stated): ExAC 0.00004; gnomAD 0.00003 and 0.00002; gnomAD exomes 0.00003 and 0.00006; TOPMed 0.00002.
gnomAD v4.1: 50 of 1,614,178 alleles (0.0031%); highest among the groups gnomAD compares: Non-Finnish European, 0.0021%; no homozygotes.

Submissions (3):

GeneDx
Classification: Uncertain significance. Last evaluated: 2025-08-05. Review status: criteria provided, single submitter. Criteria: GeneDx Variant Classification Process June 2021. Collection method: clinical testing. Allele origin: germline. Affected: yes.
Comment: In silico analysis suggests that this missense variant does not alter protein structure/function; Has not been previously published as pathogenic or benign to our knowledge

Fulgent Genetics
Classification: Uncertain significance for Renal tubular acidosis, distal, 3, with or without sensorineural hearing loss. Last evaluated: 2024-04-19. Review status: criteria provided, single submitter. Criteria: ACMG Guidelines, 2015. Collection method: clinical testing. Allele origin: germline.

Labcorp Genetics (formerly Invitae), Labcorp
Classification: Uncertain significance. Last evaluated: 2020-10-25. Review status: criteria provided, single submitter. Criteria: Invitae Variant Classification Sherloc (09022015). Collection method: clinical testing. Allele origin: germline.
Comment: In summary, the available evidence is currently insufficient to determine the role of this variant in disease. Therefore, it has been classified as a Variant of Uncertain Significance. Algorithms developed to predict the effect of missense changes on protein structure and function (SIFT, PolyPhen-2, Align-GVGD) all suggest that this variant is likely to be tolerated, but these predictions have not been confirmed by published functional studies and their clinical significance is uncertain. This variant has not been reported in the literature in individuals with ATP6V0A4-related conditions. This variant is present in population databases (rs778873408, ExAC 0.008%). This sequence change replaces asparagine with aspartic acid at codon 143 of the ATP6V0A4 protein (p.Asn143Asp). The asparagine residue is moderately conserved and there is a small physicochemical difference between asparagine and aspartic acid.

NM_020632.3(ATP6V0A4):c.427A>G (p.Asn143Asp)

Gene: ATP6V0A4 (ATPase H+ transporting V0 subunit a4; minus strand). Cytogenetic location: 7q34.
Variant type: single nucleotide variant.
Coding change: c.427A>G on transcript NM_020632.3 (MANE Select); coding-DNA position 427, A replaced by G.
Protein change: p.Asn143Asp; replaces asparagine 143 with aspartic acid.
Molecular consequence: missense variant.
Genome position (GRCh38, 1-based): chr7:138,762,425, T>C on the plus strand (A>G on the coding strand, the complement: ATP6V0A4 is on the minus strand). VCF-style: chr7-138762425-T-C. GRCh37 (hg19) VCF-style: chr7-138447170-T-C.
Other names: c.427A>G, p.Asn143Asp (NM_130840.3, NM_130841.3); c.427A>G (NM_020632.2); short protein forms N143D.
Identifiers: ClinVar variation 1000573 (VCV001000573.8), dbSNP rs778873408, ClinGen allele CA4505127.
Genomic context (GRCh38, chr7:138,762,425, plus strand): 5'-GCACTGCTTTCAACTCCAGGAGGCCAGAAGTGTCCTCAGTAAAGAAATCATCAGCTAAAT[T>C]GGTTTCCGTCTGAAAGTCAAAGCACTATGATTTTCATTTAAATATATTTAGGGAAACTCA-3'
Protein context (NP_065683.2, residues 133-153): KTQDFFETET[Asn143Asp]LADDFFTEDT